The following is an entry in ClinVar:

ClinVar aggregate classification (germline): Uncertain significance (1 of 4 stars; one submission).

Conditions:
Hypertrophic cardiomyopathy. Also called: HYPERTROPHIC MYOCARDIOPATHY. Identifiers: Orphanet 217569, MedGen C0007194, MeSH D002312, MONDO:0005045, HP:0001639.

Submission:

All of Us Research Program, National Institutes of Health
Classification: Uncertain significance for Hypertrophic cardiomyopathy. Last evaluated: 2023-08-15. Review status: criteria provided, single submitter. Criteria: ACMG Guidelines, 2015. Collection method: clinical testing. Allele origin: germline. Inheritance: Autosomal dominant inheritance. Observed: 1 variant allele, 1 heterozygote.
Comment: This missense variant replaces cysteine with arginine at codon 1244 of the MYBPC3 protein. Computational prediction suggests that this variant may not impact protein structure and function (internally defined REVEL score threshold <= 0.5, PMID: 27666373). To our knowledge, functional studies have not been reported for this variant. This variant has not been reported in individuals affected with MYBPC3-related disorders in the literature. This variant has not been identified in the general population by the Genome Aggregation Database (gnomAD). The available evidence is insufficient to determine the role of this variant in disease conclusively. Therefore, this variant is classified as a Variant of Uncertain Significance.

This study involves interpretation of variants in research participants for the purpose of population health screening. Participant phenotype was not available at the time of variant classification. Additional details can be found in publication PMID: 35346344, PMCID: PMC8962531

NM_000256.3(MYBPC3):c.3730T>C (p.Cys1244Arg)

Gene: MYBPC3 (myosin binding protein C3; minus strand). Cytogenetic location: 11p11.2.
Variant type: single nucleotide variant.
Coding change: c.3730T>C on transcript NM_000256.3 (MANE Select); coding-DNA position 3730, T replaced by C.
Protein change: p.Cys1244Arg; replaces cysteine 1244 with arginine.
Molecular consequence: missense variant.
Genome position (GRCh38, 1-based): chr11:47,332,156, A>G on the plus strand (T>C on the coding strand, the complement: MYBPC3 is on the minus strand). VCF-style: chr11-47332156-A-G. GRCh37 (hg19) VCF-style: chr11-47353707-A-G.
Other names: short protein forms C1244R.
Identifiers: ClinVar variation 3072925 (VCV003072925.1), dbSNP rs2495736296, ClinGen allele CA380311104.